The following is an entry in ClinVar:

NM_006502.3(POLH):c.490+3A>G

Gene: POLH (DNA polymerase eta; plus strand). Cytogenetic location: 6p21.1.
Variant type: single nucleotide variant.
Coding change: c.490+3A>G on transcript NM_006502.3 (MANE Select); 3 bases into the intron after coding-DNA position 490, A replaced by G.
Molecular consequence: intron variant.
Genome position (GRCh38, 1-based): chr6:43,587,492, A>G. VCF-style: chr6-43587492-A-G. GRCh37 (hg19) VCF-style: chr6-43555229-A-G.
Other names: c.490+3A>G (NM_001291970.2); c.118+4351A>G (NM_001291969.2).
Identifiers: ClinVar variation 2504027 (VCV002504027.3), dbSNP rs745988408, ClinGen allele CA138317915.
Genomic context (GRCh38, chr6:43,587,492, plus strand): 5'-ACTTACATTGAAGGGTTGCCCCAAGGCCCTACAACGGCAGAAGAGACTGTTCAGAAAGGT[A>G]CTTCCATAGCATCATACTGCTTCTGCTTCCTGCCTTTGGAACCTGCTTTGCTTGGTCATG-3'

ClinVar aggregate classification (germline): Uncertain significance. Review status: criteria provided, multiple submitters, no conflicts (2 of 4 stars). 2 submissions from 2 submitters: Uncertain significance (2). Last evaluated 2024-07-03.

Allele frequency attached by ClinVar (database versions not stated): TOPMed 0.00002; gnomAD 0.00004; gnomAD exomes 0.00004.
gnomAD v4.1: 60 of 1,599,964 alleles (0.0038%); highest among the groups gnomAD compares: Non-Finnish European, 0.0051%; no homozygotes.

Submissions (2):

Blueprint Genetics
Classification: Uncertain significance. Last evaluated: 2024-07-03. Review status: criteria provided, single submitter. Criteria: ACMG Guidelines, 2015. Collection method: clinical testing. Allele origin: germline.

Women's Health and Genetics/Laboratory Corporation of America, LabCorp
Classification: Uncertain significance. Last evaluated: 2024-03-20. Review status: criteria provided, single submitter. Criteria: LabCorp Variant Classification Summary - May 2015. Collection method: clinical testing. Allele origin: germline.
Comment: Variant summary: POLH c.490+3A>G alters a non-conserved nucleotide located close to a canonical splice site and therefore could affect mRNA splicing, leading to a significantly altered protein sequence. Several computational tools predict a significant impact on normal splicing: 3 of 4 tools predict the variant weakens a 5' donor site. However, these predictions have yet to be confirmed by functional studies. The variant allele was found at a frequency of 2.4e-05 in 251324 control chromosomes. The available data on variant occurrences in the general population are insufficient to allow any conclusion about variant significance. c.490+3A>G has been reported in the literature in at least one compound heterozygous individual affected with Xeroderma Pigmentosum (e.g. Fassihi_2016). These data do not allow any conclusion about variant significance. To our knowledge, no experimental evidence demonstrating an impact on protein function has been reported. The following publication has been ascertained in the context of this evaluation (PMID: 26884178). ClinVar contains an entry for this variant (Variation ID: 2504027). Based on the evidence outlined above, the variant was classified as uncertain significance.

Literature cited by the submitters: PubMed 26884178 (cited by Women's Health and Genetics/Laboratory Corporation of America, LabCorp).